The following is an entry in ClinVar:

ClinVar aggregate classification (germline): Uncertain significance (1 of 4 stars; one submission).

Conditions:
Spinocerebellar ataxia type 29 (SCA29). Also called: CEREBELLAR ATAXIA, CONGENITAL NONPROGRESSIVE, AUTOSOMAL DOMINANT; Spinocerebellar ataxia 29, congenital nonprogressive. Identifiers: Orphanet 208513, MedGen C1861732, MONDO:0007298, OMIM 117360.

Submission:

New York Genome Center
Classification: Uncertain significance for Spinocerebellar ataxia type 29. Last evaluated: 2021-04-09. Review status: criteria provided, single submitter. Criteria: NYGC Assertion Criteria 2020. Collection method: clinical testing. Allele origin: inherited. Observed: 1 heterozygote. Study: CSER-NYCKidSeq.
Comment: The inherited heterozygous c.4216A>T (p.Ile1406Phe) missense variant identified in the ITPR1 gene has not been reported in affected individuals in the literature. The variant is absent from the gnomAD database suggesting it is not a common benign variant in the populations represented in that database. The variant affects an evolutionarily conserved residue and is predicted deleterious by multiple in silico tools. Based on the available evidence, the inherited heterozygous c.4216A>T (p.Ile1406Phe) missense variant identified in the ITPR1 gene is reported as a variant of uncertain significance.

NM_001378452.1(ITPR1):c.4243A>T (p.Ile1415Phe)

Gene: ITPR1 (inositol 1,4,5-trisphosphate receptor type 1; plus strand). Cytogenetic location: 3p26.1.
Variant type: single nucleotide variant.
Coding change: c.4243A>T on transcript NM_001378452.1 (MANE Select); coding-DNA position 4243, A replaced by T.
Protein change: p.Ile1415Phe; replaces isoleucine 1415 with phenylalanine.
Molecular consequence: missense variant.
Genome position (GRCh38, 1-based): chr3:4,693,703, A>T. VCF-style: chr3-4693703-A-T. GRCh37 (hg19) VCF-style: chr3-4735387-A-T.
Other names: c.4216A>T, p.Ile1406Phe (NM_001099952.4); c.4198A>T, p.Ile1400Phe (NM_001168272.2); c.4171A>T, p.Ile1391Phe (NM_002222.7); short protein forms I1391F, I1400F, I1406F, I1415F.
Identifiers: ClinVar variation 1342433 (VCV001342433.1), dbSNP rs762136714, ClinGen allele CA351631874.
Genomic context (GRCh38, chr3:4,693,703, plus strand): 5'-ACGGAGGGTAAGAATGTCTACACAGAGATCAAGTGCAACTCCCTGCTCCCGCTGGATGAC[A>T]TCGTTCGCGTGGTGACCCACGAGGACTGCATCCCTGAGGTGAGCGAGCCCAGCCTGGCTG-3'
Protein context (NP_001365381.1, residues 1405-1425): KCNSLLPLDD[Ile1415Phe]VRVVTHEDCI